The following is an entry in ClinVar:

ClinVar aggregate classification (germline): Uncertain significance. Review status: criteria provided, multiple submitters, no conflicts (2 of 4 stars). 4 submissions from 4 submitters: Uncertain significance (4). Last evaluated 2025-10-25.

Conditions:
RASopathy. Also called: rasopathies; Noonan spectrum disorder. Identifiers: Orphanet 536391, MedGen C5555857, MONDO:0021060.
Cardiovascular phenotype. Identifiers: MedGen CN230736.

Allele frequency attached by ClinVar (database versions not stated): gnomAD exomes below 0.00001; gnomAD 0.00001; TOPMed 0.00001.
gnomAD v4.1: 9 of 1,613,642 alleles (0.00056%); highest among the groups gnomAD compares: Non-Finnish European, 0.00068%; no homozygotes.

Submissions (4):

Labcorp Genetics (formerly Invitae), Labcorp
Classification: Uncertain significance for RASopathy. Last evaluated: 2025-10-25. Review status: criteria provided, single submitter. Criteria: Invitae Variant Classification Sherloc (09022015). Collection method: clinical testing. Allele origin: germline.
Comment: This sequence change replaces serine, which is neutral and polar, with asparagine, which is neutral and polar, at codon 448 of the PTPN11 protein (p.Ser448Asn). This variant is not present in population databases (gnomAD no frequency). This variant has not been reported in the literature in individuals affected with PTPN11-related conditions. ClinVar contains an entry for this variant (Variation ID: 2728727). An algorithm developed to predict the effect of missense changes on protein structure and function outputs the following: PolyPhen-2: "Benign". The asparagine amino acid residue is found in multiple mammalian species, which suggests that this missense change does not adversely affect protein function. In summary, the available evidence is currently insufficient to determine the role of this variant in disease. Therefore, it has been classified as a Variant of Uncertain Significance.

Ambry Genetics
Classification: Uncertain significance for Cardiovascular phenotype. Last evaluated: 2025-03-29. Review status: criteria provided, single submitter. Criteria: Ambry Variant Classification Scheme 2023. Collection method: clinical testing. Allele origin: germline.
Comment: The p.S448N variant (also known as c.1343G>A), located in coding exon 11 of the PTPN11 gene, results from a G to A substitution at nucleotide position 1343. The serine at codon 448 is replaced by asparagine, an amino acid with highly similar properties. This amino acid position is conserved. In addition, this alteration is predicted to be tolerated by in silico analysis. Based on the available evidence, the clinical significance of this variant remains unclear.

GeneDx
Classification: Uncertain significance. Last evaluated: 2024-10-09. Review status: criteria provided, single submitter. Criteria: GeneDx Variant Classification Process June 2021. Collection method: clinical testing. Allele origin: germline. Affected: yes.
Comment: Not observed at significant frequency in large population cohorts (gnomAD); Missense variants in this gene are often considered pathogenic (HGMD); In silico analysis indicates that this missense variant does not alter protein structure/function; Has not been previously published as pathogenic or benign to our knowledge; This variant is associated with the following publications: (PMID: 29493581)

Blueprint Genetics
Classification: Uncertain significance. Last evaluated: 2022-04-19. Review status: criteria provided, single submitter. Criteria: ACMG Guidelines, 2015. Collection method: clinical testing. Allele origin: germline.

NM_002834.5(PTPN11):c.1343G>A (p.Ser448Asn)

Gene: PTPN11 (protein tyrosine phosphatase non-receptor type 11; plus strand). Cytogenetic location: 12q24.13.
Variant type: single nucleotide variant.
Coding change: c.1343G>A on transcript NM_002834.5 (MANE Select); coding-DNA position 1343, G replaced by A.
Protein change: p.Ser448Asn; replaces serine 448 with asparagine.
Molecular consequence: missense variant.
Genome position (GRCh38, 1-based): chr12:112,486,593, G>A. VCF-style: chr12-112486593-G-A. GRCh37 (hg19) VCF-style: chr12-112924397-G-A.
Other names: c.1355G>A, p.Ser452Asn (NM_001330437.2); c.1340G>A, p.Ser447Asn (NM_001374625.1); c.1343G>A, p.Ser448Asn (NM_080601.3); short protein forms S447N, S448N, S452N.
Identifiers: ClinVar variation 2728727 (VCV002728727.6), dbSNP rs2038680295, ClinGen allele CA386777589.
Genomic context (GRCh38, chr12:112,486,593, plus strand): 5'-TGCCCAGCGACCCTGGGGGCGTGCTGGACTTCCTGGAGGAGGTGCACCATAAGCAGGAGA[G>A]CATCATGGATGCAGGGCCGGTCGTGGTGCACTGCAGGTGACAGCTCCTGCTGCCCCTCTA-3'
Protein context (NP_002825.3, residues 438-458): FLEEVHHKQE[Ser448Asn]IMDAGPVVVH